The following is an entry in ClinVar:

NM_206933.4(USH2A):c.2710_2720dup (p.Leu908fs)

Genes: USH2A (usherin; minus strand), LOC122152296 (Sharpr-MPRA regulatory region 8762; plus strand). Cytogenetic location: 1q41.
Variant type: Duplication.
Coding change: c.2710_2720dup on transcript NM_206933.4 (MANE Select); coding-DNA positions 2710 to 2720, 11 bases duplicated (TCCTTGGGGAC).
Protein change: p.Leu908fs; shifts the reading frame from leucine 908.
Molecular consequence: frameshift variant.
Genome position (GRCh38, 1-based): chr1:216,246,674-216,246,684, GTCCCCAAGGA duplicated on the plus strand (TCCTTGGGGAC on the coding strand, the reverse complement: USH2A is on the minus strand). VCF-style (leftmost placement, unchanged base first): chr1-216246673-T-TGTCCCCAAGGA. GRCh37 (hg19) VCF-style: chr1-216420015-T-TGTCCCCAAGGA.
Other names: c.2710_2720dup (NM_206933.2); c.2710_2720dup, p.Leu908fs (NM_007123.6); short protein forms L908fs.
Identifiers: ClinVar variation 987349 (VCV000987349.8), dbSNP rs755218835, ClinGen allele CA1396180.

ClinVar aggregate classification (germline): Pathogenic. Review status: criteria provided, multiple submitters, no conflicts (2 of 4 stars). 5 submissions from 5 submitters: Pathogenic (4). 1 of the submissions does not count toward it. Last evaluated 2026-01-23.

Conditions:
Usher syndrome type 2A. Also called: RETINAL DISEASE IN USHER SYNDROME TYPE IIA, MODIFIER OF; USHER SYNDROME, TYPE IIA. Identifiers: Orphanet 231178, Orphanet 886, MedGen C1848634, MONDO:0010169, OMIM 276901.
Retinal dystrophy. Also called: Inherited retinal dystrophy. Identifiers: Orphanet 71862, MedGen C0854723, MeSH D058499, MONDO:0019118, HP:0000556.
Retinitis pigmentosa 39 (RP39). Identifiers: Orphanet 791, MedGen C3151138, MONDO:0013436, OMIM 613809.

Allele frequency attached by ClinVar (database versions not stated): gnomAD exomes below 0.00001; ExAC 0.00001.

Submissions (5):

Natera, Inc.
Classification: Pathogenic for Usher syndrome type 2A. Last evaluated: 2026-01-23. Review status: criteria provided, single submitter. Criteria: Natera Variant Classification Schema (03/2026). Collection method: clinical testing. Allele origin: germline.
Comment: The c.2710_2720dup variant in USH2A is a frameshift variant predicted to shift the reading frame beginning at codon 908 and leads to a stop codon 63 codons downstream. This variant is expected to result in nonsense mediated decay, truncation, or a dysfunctional protein product. This variant is rare in the general population with a frequency below the threshold expected for the associated phenotype(s). This variant has been observed in one or more individuals affected with the associated recessive disease, as either homozygous or compound heterozygous with a second variant (PMID: 38088826, 39462066, 32037395). Given the available evidence, this variant is classified as Pathogenic.

Baylor Genetics
Classification: Pathogenic for Retinitis pigmentosa 39. Last evaluated: 2023-12-08. Review status: criteria provided, single submitter. Criteria: ACMG Guidelines, 2015. Collection method: clinical testing. Allele origin: unknown.

Labcorp Genetics (formerly Invitae), Labcorp
Classification: Pathogenic. Last evaluated: 2023-07-28. Review status: criteria provided, single submitter. Criteria: Invitae Variant Classification Sherloc (09022015). Collection method: clinical testing. Allele origin: germline.
Comment: ClinVar contains an entry for this variant (Variation ID: 987349). For these reasons, this variant has been classified as Pathogenic. This premature translational stop signal has been observed in individual(s) with USH2A-related conditions (PMID: 26927203, 32037395, 33576794, 34781295). This variant is present in population databases (rs755218835, gnomAD 0.0009%). This sequence change creates a premature translational stop signal (p.Leu908Profs*63) in the USH2A gene. It is expected to result in an absent or disrupted protein product. Loss-of-function variants in USH2A are known to be pathogenic (PMID: 10729113, 10909849, 20507924, 25649381).

Institute of Medical Genetics and Applied Genomics, University Hospital Tübingen
Classification: Pathogenic. Last evaluated: 2020-10-23. Review status: criteria provided, single submitter. Criteria: ACMG Guidelines, 2015. Collection method: clinical testing. Allele origin: germline. Inheritance: Unknown mechanism. Affected: yes.

Institute of Human Genetics, Univ. Regensburg, Univ. Regensburg
Classification: Pathogenic for Retinal dystrophy. Last evaluated: 2014-01-01. Review status: no assertion criteria provided. Criteria: ACMG Guidelines, 2015. Collection method: clinical testing. Allele origin: germline. Affected: yes. Not counted in ClinVar's aggregate classification.

Literature cited by the submitters: PubMed 38088826 (cited by Natera, Inc.); PubMed 39462066 (cited by Natera, Inc.); PubMed 32037395 (cited by Natera, Inc. and Labcorp Genetics (formerly Invitae), Labcorp); PubMed 26927203 (cited by Labcorp Genetics (formerly Invitae), Labcorp); PubMed 33576794 (cited by Labcorp Genetics (formerly Invitae), Labcorp); PubMed 34781295 (cited by Labcorp Genetics (formerly Invitae), Labcorp); PubMed 10729113 (cited by Labcorp Genetics (formerly Invitae), Labcorp); PubMed 10909849 (cited by Labcorp Genetics (formerly Invitae), Labcorp); PubMed 20507924 (cited by Labcorp Genetics (formerly Invitae), Labcorp); PubMed 25649381 (cited by Labcorp Genetics (formerly Invitae), Labcorp).